The following is an entry in ClinVar:

ClinVar aggregate classification (germline): Benign/Likely benign. Review status: criteria provided, multiple submitters, no conflicts (2 of 4 stars). 3 submissions from 3 submitters: Benign (1); Likely benign (2). Last evaluated 2025-05-13.

Conditions:
Fanconi anemia complementation group J. Also called: BRIP1-Related Fanconi Anemia. Identifiers: Orphanet 84, MedGen C1836860, MONDO:0012187, OMIM 609054.
Familial cancer of breast. Also called: BREAST CANCER, FAMILIAL; Hereditary breast cancer; hereditary breast carcinoma. Identifiers: Orphanet 227535, MedGen C0346153, MONDO:0016419, OMIM 114480. Disease mechanism: loss of function.
Hereditary cancer-predisposing syndrome. Also called: Neoplastic Syndromes, Hereditary; Tumor predisposition; Hereditary Cancer Syndrome; Hereditary neoplastic syndrome. Identifiers: Orphanet 140162, MedGen C0027672, MeSH D009386, MONDO:0015356.

Allele frequency attached by ClinVar (database versions not stated): TOPMed below 0.00001.

Submissions (3):

Labcorp Genetics (formerly Invitae), Labcorp
Classification: Likely benign for Familial cancer of breast; Fanconi anemia complementation group J. Last evaluated: 2025-05-13. Review status: criteria provided, single submitter. Criteria: Invitae Variant Classification Sherloc (09022015). Collection method: clinical testing. Allele origin: germline.

Myriad Genetics, Inc.
Classification: Benign for Familial cancer of breast. Last evaluated: 2024-08-21. Review status: criteria provided, single submitter. Criteria: Myriad Autosomal Dominant, Autosomal Recessive and X-Linked Classification Criteria (2023). Collection method: clinical testing. Allele origin: unknown.
Comment: This variant is considered benign. This variant is a silent/synonymous amino acid change and it is not expected to impact splicing.

Ambry Genetics
Classification: Likely benign for Hereditary cancer-predisposing syndrome. Last evaluated: 2024-05-31. Review status: criteria provided, single submitter. Criteria: Ambry Variant Classification Scheme 2023. Collection method: clinical testing. Allele origin: germline.

NM_032043.3(BRIP1):c.477A>G (p.Lys159=)

Gene: BRIP1 (BRCA1 interacting DNA helicase 1; minus strand). Cytogenetic location: 17q23.2.
Variant type: single nucleotide variant.
Coding change: c.477A>G on transcript NM_032043.3 (MANE Select); coding-DNA position 477, A replaced by G.
Protein change: p.Lys159=; no amino-acid change (lysine 159 retained).
Molecular consequence: synonymous variant.
Genome position (GRCh38, 1-based): chr17:61,849,159, T>C on the plus strand (A>G on the coding strand, the complement: BRIP1 is on the minus strand). VCF-style: chr17-61849159-T-C. GRCh37 (hg19) VCF-style: chr17-59926520-T-C.
Identifiers: ClinVar variation 2933755 (VCV002933755.5), dbSNP rs2078778020, ClinGen allele CA501150878.
Genomic context (GRCh38, chr17:61,849,159, plus strand): 5'-GGTTATTTACTGCCAATAAACTCTGTTTACCTGCTGTGTAGTTTCTAAGGGTCGAATTCT[T>C]TTCTTCTCTACTTGAAAATCATCATTTTCATCTCTGTATATGGATGCCTGTTTCTTAGCA-3'
Protein context (NP_114432.2, residues 149-169): DENDDFQVEK[Lys159=]RIRPLETTQQ